The following is an entry in ClinVar:

ClinVar aggregate classification (germline): Uncertain significance. Review status: criteria provided, multiple submitters, no conflicts (2 of 4 stars). 2 submissions from 2 submitters: Uncertain significance (2). Last evaluated 2023-03-02.

Submissions (2):

Women's Health and Genetics/Laboratory Corporation of America, LabCorp
Classification: Uncertain significance. Last evaluated: 2023-03-02. Review status: criteria provided, single submitter. Criteria: LabCorp Variant Classification Summary - May 2015. Collection method: clinical testing. Allele origin: germline.
Comment: Variant summary: CDH23 c.9721delC (p.His3241ThrfsX7) results in a premature termination codon, predicted to cause a truncation of the encoded protein, eliminating the last 107 amino acids. Truncations at this position or downstream of this position are classified as uncertain significance by our laboratory and in ClinVar. To our knowledge, downstream truncations have not been reported in patients (HGMD). The variant was absent in 156522 control chromosomes (gnomAD). To our knowledge, no occurrence of c.9721delC in individuals affected with Usher Syndrome and no experimental evidence demonstrating its impact on protein function have been reported. One clinical diagnostic laboratory has submitted clinical-significance assessments for this variant to ClinVar after 2014 and classified the variant as uncertain significance. Based on the evidence outlined above, the variant was classified as uncertain significance.

Labcorp Genetics (formerly Invitae), Labcorp
Classification: Uncertain significance. Last evaluated: 2022-04-28. Review status: criteria provided, single submitter. Criteria: Invitae Variant Classification Sherloc (09022015). Collection method: clinical testing. Allele origin: germline.
Comment: This sequence change creates a premature translational stop signal (p.His3241Thrfs*7) in the CDH23 gene. While this is not anticipated to result in nonsense mediated decay, it is expected to disrupt the last 114 amino acid(s) of the CDH23 protein. This variant is not present in population databases (gnomAD no frequency). This variant has not been reported in the literature in individuals affected with CDH23-related conditions. Experimental studies and prediction algorithms are not available or were not evaluated, and the functional significance of this variant is currently unknown. In summary, the available evidence is currently insufficient to determine the role of this variant in disease. Therefore, it has been classified as a Variant of Uncertain Significance.

NM_022124.6(CDH23):c.9721del (p.His3241fs)

Gene: CDH23 (cadherin related 23; plus strand). Cytogenetic location: 10q22.1.
Variant type: Deletion.
Coding change: c.9721del on transcript NM_022124.6 (MANE Select); coding-DNA position 9721, one base deleted (C; older notation c.9721delC).
Protein change: p.His3241fs; shifts the reading frame from histidine 3241.
Molecular consequence: frameshift variant. On other transcripts: intron variant (2).
Genome position (GRCh38, 1-based): chr10:71,813,331, C deleted; the last of 2 consecutive C bases (chr10:71,813,330-71,813,331); deleting either gives the same sequence. VCF-style (leftmost placement, unchanged base first): chr10-71813329-GC-G. GRCh37 (hg19) VCF-style: chr10-73573086-GC-G.
Other names: c.3001del, p.His1001fs (NM_001171933.1); c.412del, p.His138fs (NM_001171935.1); c.2913+441del (NM_001171934.1); c.324+441del (NM_001171936.1); c.9721delC (NM_022124.5); short protein forms H1001fs, H138fs, H3241fs.
Identifiers: ClinVar variation 1417544 (VCV001417544.3), dbSNP rs1842006730, ClinGen allele CA929788845.